The following is an entry in ClinVar:

NM_024642.5(GALNT12):c.1532C>T (p.Ala511Val)

Gene: GALNT12 (polypeptide N-acetylgalactosaminyltransferase 12; plus strand). Cytogenetic location: 9q22.33.
Variant type: single nucleotide variant.
Coding change: c.1532C>T on transcript NM_024642.5 (MANE Select); coding-DNA position 1532, C replaced by T.
Protein change: p.Ala511Val; replaces alanine 511 with valine.
Molecular consequence: missense variant.
Genome position (GRCh38, 1-based): chr9:98,846,050, C>T. VCF-style: chr9-98846050-C-T. GRCh37 (hg19) VCF-style: chr9-101608332-C-T.
Other names: short protein forms A511V.
Identifiers: ClinVar variation 1774653 (VCV001774653.7), dbSNP rs756649181, ClinGen allele CA5154309.
Genomic context (GRCh38, chr9:98,846,050, plus strand): 5'-CGTCCCAGAAAGAAATACGCTATAACACCCACCAGCCTGAGGGCTGCATTGCTGTGGAAG[C>T]AGGAATGGATACCCTTATCATGCATCTCTGCGAAGAAACTGCCCCAGAGAATCAGAAGTT-3'
Protein context (NP_078918.3, residues 501-521): HQPEGCIAVE[Ala511Val]GMDTLIMHLC

ClinVar aggregate classification (germline): Uncertain significance. Review status: criteria provided, multiple submitters, no conflicts (2 of 4 stars). 3 submissions from 3 submitters: Uncertain significance (3). Last evaluated 2025-05-03.

Allele frequency attached by ClinVar (database versions not stated): ExAC 0.00001; gnomAD 0.00001; TOPMed 0.00001.
gnomAD v4.1: 27 of 1,614,074 alleles (0.0017%); highest among the groups gnomAD compares: Non-Finnish European, 0.0023%; no homozygotes.

Submissions (3):

Ambry Genetics
Classification: Uncertain significance. Last evaluated: 2025-05-03. Review status: criteria provided, single submitter. Criteria: Ambry Variant Classification Scheme 2023. Collection method: clinical testing. Allele origin: germline.
Comment: The p.A511V variant (also known as c.1532C>T), located in coding exon 9 of the GALNT12 gene, results from a C to T substitution at nucleotide position 1532. The alanine at codon 511 is replaced by valine, an amino acid with similar properties. This amino acid position is poorly conserved in available vertebrate species. In addition, this alteration is predicted to be tolerated by in silico analysis. Since supporting evidence is limited at this time, the clinical significance of this alteration remains unclear.

Labcorp Genetics (formerly Invitae), Labcorp
Classification: Uncertain significance. Last evaluated: 2025-03-11. Review status: criteria provided, single submitter. Criteria: Invitae Variant Classification Sherloc (09022015). Collection method: clinical testing. Allele origin: germline.
Comment: This sequence change replaces alanine, which is neutral and non-polar, with valine, which is neutral and non-polar, at codon 511 of the GALNT12 protein (p.Ala511Val). This variant is present in population databases (rs756649181, gnomAD 0.007%). This variant has not been reported in the literature in individuals affected with GALNT12-related conditions. ClinVar contains an entry for this variant (Variation ID: 1774653). Invitae Evidence Modeling of protein sequence and biophysical properties (such as structural, functional, and spatial information, amino acid conservation, physicochemical variation, residue mobility, and thermodynamic stability) indicates that this missense variant is not expected to disrupt GALNT12 protein function with a negative predictive value of 80%. In summary, the available evidence is currently insufficient to determine the role of this variant in disease. Therefore, it has been classified as a Variant of Uncertain Significance.

Quest Diagnostics Nichols Institute San Juan Capistrano
Classification: Uncertain significance. Last evaluated: 2023-11-17. Review status: criteria provided, single submitter. Criteria: Quest Diagnostics criteria. Collection method: clinical testing. Allele origin: unknown.
Comment: The GALNT12 c.1532C>T (p.Ala511Val) variant has not been reported in individuals with GALNT12-related conditions in the published literature. The frequency of this variant in the general population, 0.000004 (1/251454 chromosomes (Genome Aggregation Database)), is uninformative in the assessment of its pathogenicity. Analysis of this variant using bioinformatics tools for the prediction of the effect of amino acid changes on protein structure and function yielded predictions that this variant is benign. Based on the available information, we are unable to determine the clinical significance of this variant.